The following is an entry in ClinVar:

NM_016203.4(PRKAG2):c.*6G>A

Gene: PRKAG2 (protein kinase AMP-activated non-catalytic subunit gamma 2; minus strand). Cytogenetic location: 7q36.1.
Variant type: single nucleotide variant.
Coding change: c.*6G>A on transcript NM_016203.4 (MANE Select); 6 bases downstream of the stop codon, G replaced by A.
Molecular consequence: 3 prime UTR variant.
Genome position (GRCh38, 1-based): chr7:151,557,195, C>T on the plus strand (G>A on the coding strand, the complement: PRKAG2 is on the minus strand). VCF-style: chr7-151557195-C-T. GRCh37 (hg19) VCF-style: chr7-151254281-C-T.
Other names: c.*6G>A (NM_001040633.2, NM_001304527.2, NM_001304531.2 and 2 more transcripts).
Identifiers: ClinVar variation 628851 (VCV000628851.9), dbSNP rs181109799, ClinGen allele CA058113.

ClinVar aggregate classification (germline): Likely benign. Review status: criteria provided, multiple submitters, no conflicts (2 of 4 stars). 4 submissions from 4 submitters: Likely benign (4). Last evaluated 2024-11-25.

Conditions:
Hypertrophic cardiomyopathy. Also called: HYPERTROPHIC MYOCARDIOPATHY. Identifiers: Orphanet 217569, MedGen C0007194, MeSH D002312, MONDO:0005045, HP:0001639.
Cardiomyopathy (CMYO). Also called: Cardiomyopathies. Identifiers: Orphanet 167848, MedGen C0878544, MONDO:0004994, HP:0001638. Inheritance: Various modes of inheritance.

Allele frequency attached by ClinVar (database versions not stated): gnomAD exomes 0.00004 and 0.00016; gnomAD 0.00006 and 0.00007; TOPMed 0.00007; ExAC 0.00013; 1000 Genomes Project 0.00020; 1000 Genomes Project 30x 0.00031.
gnomAD v4.1: 64 of 1,614,170 alleles (0.004%); highest among the groups gnomAD compares: East Asian, 0.08%; no homozygotes.

Submissions (4):

Blueprint Genetics
Classification: Likely benign. Last evaluated: 2024-11-25. Review status: criteria provided, single submitter. Criteria: ACMG Guidelines, 2015. Collection method: clinical testing. Allele origin: germline.

All of Us Research Program, National Institutes of Health
Classification: Likely benign for Hypertrophic cardiomyopathy. Last evaluated: 2023-12-01. Review status: criteria provided, single submitter. Criteria: ACMG Guidelines, 2015. Collection method: clinical testing. Allele origin: germline. Inheritance: Autosomal dominant inheritance. Observed: 7 variant alleles, 7 heterozygotes.
Comment: This study involves interpretation of variants in research participants for the purpose of population health screening. Participant phenotype was not available at the time of variant classification. Additional details can be found in publication PMID: 35346344, PMCID: PMC8962531

GeneDx
Classification: Likely benign. Last evaluated: 2023-06-23. Review status: criteria provided, single submitter. Criteria: GeneDx Variant Classification Process June 2021. Collection method: clinical testing. Allele origin: germline. Affected: yes.
Comment: See Variant Classification Assertion Criteria.

Color Diagnostics, LLC DBA Color Health
Classification: Likely benign for Cardiomyopathy. Last evaluated: 2018-07-12. Review status: criteria provided, single submitter. Criteria: ACMG Guidelines, 2015. Collection method: clinical testing. Allele origin: germline.